The following is an entry in ClinVar:

NM_000027.4(AGA):c.519dup (p.Asp174fs)

Gene: AGA (aspartylglucosaminidase; minus strand). Cytogenetic location: 4q34.3.
Variant type: Duplication.
Coding change: c.519dup on transcript NM_000027.4 (MANE Select); coding-DNA position 519, one base duplicated (A; older notation c.519dupA).
Protein change: p.Asp174fs; shifts the reading frame from aspartic acid 174.
Molecular consequence: frameshift variant. On other transcripts: non-coding transcript variant (1).
Genome position (GRCh38, 1-based): chr4:177,437,508, T duplicated on the plus strand (A on the coding strand, the reverse complement: AGA is on the minus strand). VCF-style (leftmost placement, unchanged base first): chr4-177437507-C-CT. GRCh37 (hg19) VCF-style: chr4-178358661-C-CT.
Other names: c.519dup, p.Asp174fs (NM_001171988.2); short protein forms D174fs.
Identifiers: ClinVar variation 1455592 (VCV001455592.7), dbSNP rs2111015862, ClinGen allele CA2573138199.
Genomic context (GRCh38, chr4:177,437,507, plus strand): 5'-TAGGAATATCCTGCTTTAAGATACCAGGTGGTTTGTAGGGTCCGCAGTATTTTGAGGGAT[C>CT]TGGTATAACATTCTGTAAACAAGATTTAAGTTTTATTTCTTACAAAGGGTATTTTTAGAA-3'

ClinVar aggregate classification (germline): Pathogenic (1 of 4 stars; one submission).

Conditions:
Aspartylglucosaminuria (AGU). Also called: GLYCOASPARAGINASE; GLYCOSYLASPARAGINASE DEFICIENCY; AGA DEFICIENCY; Aspartylglucos-aminuria; Aspartylglucos-amidase (AGA) deficiency. Identifiers: Orphanet 93, MedGen C0268225, MONDO:0008830, OMIM 208400, HP:0012068.

Allele frequency attached by ClinVar (database versions not stated): gnomAD exomes below 0.00001.

Submission:

Labcorp Genetics (formerly Invitae), Labcorp
Classification: Pathogenic for Aspartylglucosaminuria. Last evaluated: 2021-10-04. Review status: criteria provided, single submitter. Criteria: Invitae Variant Classification Sherloc (09022015). Collection method: clinical testing. Allele origin: germline.
Comment: This variant is not present in population databases (ExAC no frequency). For these reasons, this variant has been classified as Pathogenic. This variant has not been reported in the literature in individuals with AGA-related conditions. This sequence change creates a premature translational stop signal (p.Asp174Argfs*23) in the AGA gene. It is expected to result in an absent or disrupted protein product. Loss-of-function variants in AGA are known to be pathogenic (PMID: 7627186, 11309371).

Literature cited by the submitters: PubMed 7627186; PubMed 11309371.